The following is an entry in ClinVar:

NM_004612.4(TGFBR1):c.1265A>G (p.Glu422Gly)

Gene: TGFBR1 (transforming growth factor beta receptor 1; plus strand). Cytogenetic location: 9q22.33.
Variant type: single nucleotide variant.
Coding change: c.1265A>G on transcript NM_004612.4 (MANE Select); coding-DNA position 1265, A replaced by G.
Protein change: p.Glu422Gly; replaces glutamic acid 422 with glycine.
Molecular consequence: missense variant. On other transcripts: non-coding transcript variant (4).
Genome position (GRCh38, 1-based): chr9:99,147,663, A>G. VCF-style: chr9-99147663-A-G. GRCh37 (hg19) VCF-style: chr9-101909945-A-G.
Other names: c.1058A>G, p.Glu353Gly (NM_001407432.1, NM_001407433.1, NM_001407434.1 and 8 more transcripts); c.1034A>G, p.Glu345Gly (NM_001130916.3, NM_001407435.1); c.1277A>G, p.Glu426Gly (NM_001306210.2); c.1109A>G, p.Glu370Gly (NM_001407416.1); c.1019A>G, p.Glu340Gly (NM_001407436.1); c.557A>G, p.Glu186Gly (NM_001407437.1); c.1097A>G, p.Glu366Gly (NM_001407417.1); c.788A>G, p.Glu263Gly (NM_001407438.1); and 1 more; short protein forms E345G, E422G, E426G, E263G, E370G, E340G, E353G, E366G.
Identifiers: ClinVar variation 3665096 (VCV003665096.2).

ClinVar aggregate classification (germline): Uncertain significance (1 of 4 stars; one submission).

Conditions:
Familial thoracic aortic aneurysm and aortic dissection (TAAD). Also called: Thoracic aortic aneurysms and dissections. Identifiers: Orphanet 91387, MedGen C4707243, MONDO:0019625.

Submission:

Labcorp Genetics (formerly Invitae), Labcorp
Classification: Uncertain significance for Familial thoracic aortic aneurysm and aortic dissection. Last evaluated: 2025-01-13. Review status: criteria provided, single submitter. Criteria: Invitae Variant Classification Sherloc (09022015). Collection method: clinical testing. Allele origin: germline.
Comment: This sequence change replaces glutamic acid, which is acidic and polar, with glycine, which is neutral and non-polar, at codon 422 of the TGFBR1 protein (p.Glu422Gly). This variant is not present in population databases (gnomAD no frequency). This variant has not been reported in the literature in individuals affected with TGFBR1-related conditions. Invitae Evidence Modeling of protein sequence and biophysical properties (such as structural, functional, and spatial information, amino acid conservation, physicochemical variation, residue mobility, and thermodynamic stability) has been performed for this missense variant. However, the output from this modeling did not meet the statistical confidence thresholds required to predict the impact of this variant on TGFBR1 protein function. In summary, the available evidence is currently insufficient to determine the role of this variant in disease. Therefore, it has been classified as a Variant of Uncertain Significance.